The following is an entry in ClinVar:

ClinVar aggregate classification (germline): Uncertain significance (1 of 4 stars; one submission).

Conditions:
Cardiovascular phenotype. Identifiers: MedGen CN230736.

Allele frequency attached by ClinVar (database versions not stated): gnomAD exomes below 0.00001; TOPMed 0.00002.

Submission:

Ambry Genetics
Classification: Uncertain significance for Cardiovascular phenotype. Last evaluated: 2019-05-30. Review status: criteria provided, single submitter. Criteria: Ambry Variant Classification Scheme 2023. Collection method: clinical testing. Allele origin: germline.
Comment: The p.S12596G variant (also known as c.37786A>G), located in coding exon 138 of the TTN gene, results from an A to G substitution at nucleotide position 37786. The serine at codon 12596 is replaced by glycine, an amino acid with similar properties. This amino acid position is highly conserved in available vertebrate species. In addition, this alteration is predicted to be tolerated by in silico analysis. Since supporting evidence is limited at this time, the clinical significance of this alteration remains unclear.

NM_001267550.2(TTN):c.64981A>G (p.Ser21661Gly)

Genes: TTN (titin; minus strand), TTN-AS1 (TTN antisense RNA 1; plus strand). Cytogenetic location: 2q31.2.
Variant type: single nucleotide variant.
Coding change: c.64981A>G on transcript NM_001267550.2 (MANE Select); coding-DNA position 64981, A replaced by G.
Protein change: p.Ser21661Gly; replaces serine 21661 with glycine.
Molecular consequence: missense variant.
Genome position (GRCh38, 1-based): chr2:178,584,570, T>C on the plus strand (A>G on the coding strand, the complement: TTN is on the minus strand). VCF-style: chr2-178584570-T-C. GRCh37 (hg19) VCF-style: chr2-179449297-T-C.
Other names: c.60058A>G, p.Ser20020Gly (NM_001256850.1); c.37786A>G, p.Ser12596Gly (NM_003319.4); c.57277A>G, p.Ser19093Gly (NM_133378.4); c.38161A>G, p.Ser12721Gly (NM_133432.3); c.38362A>G, p.Ser12788Gly (NM_133437.4); short protein forms S12721G, S12788G, S20020G, S21661G, S12596G, S19093G.
Identifiers: ClinVar variation 1734810 (VCV001734810.2), dbSNP rs1255756736, ClinGen allele CA349435959.
Genomic context (GRCh38, chr2:178,584,570, plus strand): 5'-CCCAAGCAACAAAAATACAGTCCTTGTTGACTTTGGTGACTCGTGCATTCTTTGGTTCAC[T>C]AGGAACACCTGGAGATGAAGACAAGGAAGATGTCAGTTTCTACATTAAGTAACAAACTAG-3'
Protein context (NP_001254479.2, residues 21651-21671): MVAQFPFGVP[Ser21661Gly]EPKNARVTKV